The following is an entry in ClinVar:

ClinVar aggregate classification (germline): not provided (0 of 4 stars; one submission).

Allele frequency attached by ClinVar (database versions not stated): gnomAD exomes below 0.00001 and 0.00001; ExAC 0.00002; gnomAD 0.00002; TOPMed 0.00002; 1000 Genomes Project 30x 0.00016; 1000 Genomes Project 0.00020.
gnomAD v4.1: 8 of 1,614,174 alleles (0.0005%); highest among the groups gnomAD compares: Middle Eastern, 0.016%; no homozygotes.

Submission:

Human Evolutionary Genetics, Institut Pasteur
No classification provided. Review status: no classification provided. Collection method: not provided. Allele origin: germline.
ClinVar note: Converted during submission from untested to not provided.

NM_001282144.2(NLRX1):c.1484C>T (p.Pro495Leu)

Gene: NLRX1 (NLR family member X1; plus strand). Cytogenetic location: 11q23.3.
Variant type: single nucleotide variant.
Coding change: c.1484C>T on transcript NM_001282144.2 (MANE Select); coding-DNA position 1484, C replaced by T.
Protein change: p.Pro495Leu; replaces proline 495 with leucine.
Molecular consequence: missense variant.
Genome position (GRCh38, 1-based): chr11:119,175,087, C>T. VCF-style: chr11-119175087-C-T. GRCh37 (hg19) VCF-style: chr11-119045796-C-T.
Other names: c.1484C>T, p.Pro495Leu (NM_001282143.2, NM_001282358.2, NM_024618.4); short protein forms P495L.
Identifiers: ClinVar variation 103133 (VCV000103133.2), dbSNP rs199476046, ClinGen allele CA230165.